The following is an entry in ClinVar:

ClinVar aggregate classification (germline): Benign/Likely benign. Review status: criteria provided, multiple submitters, no conflicts (2 of 4 stars). 5 submissions from 5 submitters: Benign (3); Likely benign (1). 1 of the submissions does not count toward it. Last evaluated 2026-02-04.

Conditions:
Myoclonic dystonia 26. Identifiers: MedGen C4225341, MONDO:0014620, OMIM 616398.
KCTD17-related disorder. Also called: KCTD17-related condition.

Allele frequency attached by ClinVar (database versions not stated): ESP Exome Variant Server 0.80109; gnomAD 0.80939 and 0.81598; TOPMed 0.81564; 1000 Genomes Project 30x 0.83182; 1000 Genomes Project 0.83766; gnomAD exomes 0.86509 and 0.87259; ExAC 0.86610.
gnomAD v4.1: 1,388,229 of 1,612,990 alleles (86%); highest among the groups gnomAD compares: East Asian, 100%; 599,735 homozygotes.

Submissions (5):

Labcorp Genetics (formerly Invitae), Labcorp
Classification: Benign for Myoclonic dystonia 26. Last evaluated: 2026-02-04. Review status: criteria provided, single submitter. Criteria: Invitae Variant Classification Sherloc (09022015). Collection method: clinical testing. Allele origin: germline.

Blueprint Genetics
Classification: Likely benign. Last evaluated: 2024-11-28. Review status: criteria provided, single submitter. Criteria: ACMG Guidelines, 2015. Collection method: clinical testing. Allele origin: germline.

GeneDx
Classification: Benign. Last evaluated: 2018-09-13. Review status: criteria provided, single submitter. Criteria: GeneDx Variant Classification Process June 2021. Collection method: clinical testing. Allele origin: germline. Affected: yes.

Breakthrough Genomics
Classification: Benign. Review status: criteria provided, single submitter. Criteria: ACMG Guidelines, 2015. Collection method: not provided. Allele origin: germline. Inheritance: Autosomal dominant inheritance. Affected: yes.

PreventionGenetics, part of Exact Sciences
Classification: Benign for KCTD17-related condition. Last evaluated: 2019-09-19. Review status: no assertion criteria provided. Collection method: clinical testing. Allele origin: germline. Not counted in ClinVar's aggregate classification.
Comment: This variant is classified as benign based on ACMG/AMP sequence variant interpretation guidelines (Richards et al. 2015 PMID: 25741868, with internal and published modifications).

NM_001282684.2(KCTD17):c.405C>T (p.His135=)

Gene: KCTD17 (potassium channel tetramerization domain containing 17; plus strand). Cytogenetic location: 22q12.3.
Variant type: single nucleotide variant.
Coding change: c.405C>T on transcript NM_001282684.2 (MANE Select); coding-DNA position 405, C replaced by T.
Protein change: p.His135=; no amino-acid change (histidine 135 retained).
Molecular consequence: synonymous variant.
Genome position (GRCh38, 1-based): chr22:37,057,412, C>T. VCF-style: chr22-37057412-C-T. GRCh37 (hg19) VCF-style: chr22-37453452-C-T.
Other names: c.426C>T (NM_024681.3); c.405C>T, p.His135= (NM_001282685.2, NM_001282686.2, NM_024681.4).
Identifiers: ClinVar variation 1168331 (VCV001168331.16), dbSNP rs710185, ClinGen allele CA10215031.